The following is an entry in ClinVar:

ClinVar aggregate classification (germline): Pathogenic (1 of 4 stars; one submission).

Conditions:
Carnitine acylcarnitine translocase deficiency (CACTD). Identifiers: Orphanet 159, MedGen C0342791, MONDO:0008918, OMIM 212138.

Submission:

Labcorp Genetics (formerly Invitae), Labcorp
Classification: Pathogenic for Carnitine acylcarnitine translocase deficiency. Last evaluated: 2024-02-25. Review status: criteria provided, single submitter. Criteria: Invitae Variant Classification Sherloc (09022015). Collection method: clinical testing. Allele origin: germline.
Comment: This sequence change creates a premature translational stop signal (p.Leu99Hisfs*30) in the SLC25A20 gene. It is expected to result in an absent or disrupted protein product. Loss-of-function variants in SLC25A20 are known to be pathogenic (PMID: 25614308). This variant is not present in population databases (gnomAD no frequency). This variant has not been reported in the literature in individuals affected with SLC25A20-related conditions. For these reasons, this variant has been classified as Pathogenic.

Literature cited by the submitters: PubMed 25614308.

NM_000387.6(SLC25A20):c.296del (p.Leu99fs)

Gene: SLC25A20 (solute carrier family 25 member 20; minus strand). Cytogenetic location: 3p21.31.
Variant type: Deletion.
Coding change: c.296del on transcript NM_000387.6 (MANE Select); coding-DNA position 296, one base deleted (T; older notation c.296delT).
Protein change: p.Leu99fs; shifts the reading frame from leucine 99.
Molecular consequence: frameshift variant.
Genome position (GRCh38, 1-based): chr3:48,884,027, A deleted on the plus strand (T on the coding strand, the reverse complement: SLC25A20 is on the minus strand). VCF-style (leftmost placement, unchanged base first): chr3-48884026-TA-T. GRCh37 (hg19) VCF-style: chr3-48921459-TA-T.
Other names: short protein forms L99fs.
Identifiers: ClinVar variation 3643244 (VCV003643244.2).